The following is an entry in ClinVar:

NM_002485.5(NBN):c.562A>T (p.Lys188Ter)

Gene: NBN (nibrin; minus strand). Cytogenetic location: 8q21.3.
Variant type: single nucleotide variant.
Coding change: c.562A>T on transcript NM_002485.5 (MANE Select); coding-DNA position 562, A replaced by T.
Protein change: p.Lys188Ter; replaces lysine 188 with a stop codon.
Molecular consequence: nonsense.
Genome position (GRCh38, 1-based): chr8:89,978,242, T>A on the plus strand (A>T on the coding strand, the complement: NBN is on the minus strand). VCF-style: chr8-89978242-T-A. GRCh37 (hg19) VCF-style: chr8-90990470-T-A.
Other names: c.316A>T, p.Lys106Ter (NM_001024688.3, NM_001440379.1, NM_001440380.1); short protein forms K106*, K188*.
Identifiers: ClinVar variation 5015678 (VCV005015678.1).

ClinVar aggregate classification (germline): Pathogenic (1 of 4 stars; one submission).

Conditions:
Microcephaly, normal intelligence and immunodeficiency (NBS). Also called: IMMUNODEFICIENCY, MICROCEPHALY, AND CHROMOSOMAL INSTABILITY; SEEMANOVA SYNDROME II; Nijmegen breakage syndrome; Microcephaly with normal intelligence immunodeficiency and lymphoreticular malignancies; Nonsyndromal microcephaly autosomal recessive with normal intelligence; Seemanova syndrome 2. Identifiers: Orphanet 647, MedGen C0398791, MONDO:0009623, OMIM 251260.

Submission:

Myriad Genetics, Inc.
Classification: Pathogenic for Microcephaly, normal intelligence and immunodeficiency. Last evaluated: 2026-03-14. Review status: criteria provided, single submitter. Criteria: Myriad Autosomal Dominant, Autosomal Recessive and X-Linked Classification Criteria (2023). Collection method: clinical testing. Allele origin: unknown.
Comment: NM_002485.4(NBN):c.562A>T(K188*) is expected to be pathogenic in the context of Nijmegen breakage syndrome. This variant is predicted to lead to an abnormal or absent protein product due to the creation of a premature termination codon in NBN, a gene where loss-of-function variants are known to be pathogenic. Please note: this variant was assessed in the context of healthy population screening.